The following is an entry in ClinVar:

NM_001365276.2(TNXB):c.12582C>T (p.Asn4194=)

Genes: TNXB (tenascin XB; minus strand), LOC106780803 (tenascin XB recombination region; plus strand). Cytogenetic location: 6p21.33.
Variant type: single nucleotide variant.
Coding change: c.12582C>T on transcript NM_001365276.2 (MANE Select); coding-DNA position 12582, C replaced by T.
Protein change: p.Asn4194=; no amino-acid change (asparagine 4194 retained).
Molecular consequence: synonymous variant.
Genome position (GRCh38, 1-based): chr6:32,041,822, G>A on the plus strand (C>T on the coding strand, the complement: TNXB is on the minus strand). VCF-style: chr6-32041822-G-A. GRCh37 (hg19) VCF-style: chr6-32009599-G-A.
Other names: c.13323C>T, p.Asn4441= (NM_001428335.1); c.12576C>T, p.Asn4192= (NM_019105.8); c.1869C>T, p.Asn623= (NM_032470.4).
Identifiers: ClinVar variation 5040372 (VCV005040372.1).

ClinVar aggregate classification (germline): Likely benign (1 of 4 stars; one submission).

Submission:

CeGaT Center for Human Genetics Tuebingen
Classification: Likely benign. Last evaluated: 2026-08-01. Review status: criteria provided, single submitter. Criteria: CeGaT Center For Human Genetics Tuebingen Variant Classification Criteria Version 2. Collection method: clinical testing. Allele origin: germline. Affected: yes. Observed: 1 variant allele.
Comment: TNXB: PM2:Supporting, BP4, BP7